The following is an entry in ClinVar:

NM_004187.5(KDM5C):c.2785C>T (p.Arg929Ter)

Gene: KDM5C (lysine demethylase 5C; minus strand). Cytogenetic location: Xp11.22.
Variant type: single nucleotide variant.
Coding change: c.2785C>T on transcript NM_004187.5 (MANE Select); coding-DNA position 2785, C replaced by T.
Protein change: p.Arg929Ter; replaces arginine 929 with a stop codon.
Molecular consequence: nonsense. On other transcripts: non-coding transcript variant (3).
Genome position (GRCh38, 1-based): chrX:53,196,882, G>A on the plus strand (C>T on the coding strand, the complement: KDM5C is on the minus strand). VCF-style: chrX-53196882-G-A. GRCh37 (hg19) VCF-style: chrX-53226064-G-A.
Other names: c.2584C>T, p.Arg862Ter (NM_001146702.2); c.2782C>T, p.Arg928Ter (NM_001282622.3, NM_001353979.2, NM_001353982.2); c.2785C>T, p.Arg929Ter (NM_001353978.3, NM_001353981.2, NM_001353984.2); short protein forms R929*, R928*, R862*.
Identifiers: ClinVar variation 421004 (VCV000421004.8), dbSNP rs782405999, ClinGen allele CA16621432.
Genomic context (GRCh38, chrX:53,196,882, plus strand): 5'-CAGCCAAGGTGCCCCTTCGGGCTGAGGGGGCCAGTGTGCGTTTCACCTCATCCAGCCATC[G>A]CGCCTGTTCCACCTGCCGCTGGAGCTGCTGGGCCTCAGGCACCTCCACCCCCAGCTGCCG-3'

ClinVar aggregate classification (germline): Pathogenic/Likely pathogenic. Review status: criteria provided, multiple submitters, no conflicts (2 of 4 stars). 3 submissions from 3 submitters: Pathogenic (2); Likely pathogenic (1). Last evaluated 2024-05-31.

Conditions:
KDM5C-related disorder. Also called: KDM5C-related condition.
Inborn genetic diseases. Identifiers: MedGen C0950123, MeSH D030342.

gnomAD v4.1: 1 of 1,201,782 alleles (0.000083%); highest among the groups gnomAD compares: Non-Finnish European, 0.00011%; no homozygotes.

Submissions (3):

GeneDx
Classification: Pathogenic. Last evaluated: 2024-05-31. Review status: criteria provided, single submitter. Criteria: GeneDx Variant Classification Process June 2021. Collection method: clinical testing. Allele origin: germline. Affected: yes.
Comment: Nonsense variant predicted to result in protein truncation or nonsense mediated decay in a gene for which loss of function is a known mechanism of disease; Not observed at significant frequency in large population cohorts (gnomAD); Has not been previously published as pathogenic or benign to our knowledge

Blueprint Genetics
Classification: Likely pathogenic for KDM5C-related disorders. Last evaluated: 2023-07-13. Review status: criteria provided, single submitter. Criteria: ACMG Guidelines, 2015. Collection method: clinical testing. Allele origin: germline. Affected: yes. Observed: 1 variant allele.

Ambry Genetics
Classification: Pathogenic for Inborn genetic diseases. Last evaluated: 2017-08-02. Review status: criteria provided, single submitter. Criteria: Ambry exome assertion method (8-5-2015). Collection method: clinical testing. Allele origin: germline. Affected: yes. Observed: 1 variant allele.